The following is an entry in ClinVar:

NM_001384140.1(PCDH15):c.5046T>C (p.Asn1682=)

Gene: PCDH15 (protocadherin related 15; minus strand). Cytogenetic location: 10q21.1.
Variant type: single nucleotide variant.
Coding change: c.5046T>C on transcript NM_001384140.1 (MANE Select); coding-DNA position 5046, T replaced by C.
Protein change: p.Asn1682=; no amino-acid change (asparagine 1682 retained).
Molecular consequence: synonymous variant.
Genome position (GRCh38, 1-based): chr10:53,806,756, A>G on the plus strand (T>C on the coding strand, the complement: PCDH15 is on the minus strand). VCF-style: chr10-53806756-A-G. GRCh37 (hg19) VCF-style: chr10-55566516-A-G.
Other names: c.4872T>C, p.Asn1624= (NM_001142771.2); c.4857T>C, p.Asn1619= (NM_001142772.2); c.4851T>C, p.Asn1617= (NM_001354420.2); c.4980T>C, p.Asn1660= (NM_001354429.2).
Identifiers: ClinVar variation 4987691 (VCV004987691.1).

ClinVar aggregate classification (germline): Likely benign (1 of 4 stars; one submission).

Conditions:
PCDH15-related disorder. Also called: PCDH15-related condition; PCDH15-related disorders.

gnomAD v4.1: 25 of 1,613,624 alleles (0.0015%); highest among the groups gnomAD compares: Admixed American, 0.0033%; no homozygotes.

Submission:

PreventionGenetics, part of Exact Sciences
Classification: Likely benign for PCDH15-related condition. Last evaluated: 2025-10-19. Review status: criteria provided, single submitter. Criteria: ACMG Guidelines, 2015. Collection method: clinical testing. Allele origin: germline.
Comment: This variant is classified as likely benign based on ACMG/AMP sequence variant interpretation guidelines (Richards et al. 2015 PMID: 25741868, with internal and published modifications).